The following is an entry in ClinVar:

ClinVar aggregate classification (germline): Uncertain significance. Review status: criteria provided, multiple submitters, no conflicts (2 of 4 stars). 2 submissions from 2 submitters: Uncertain significance (2). Last evaluated 2026-04-01.

Conditions:
Inborn genetic diseases. Identifiers: MedGen C0950123, MeSH D030342.

gnomAD v4.1: 2 of 1,614,098 alleles (0.00012%); highest among the groups gnomAD compares: Non-Finnish European, 0.000085%; no homozygotes.

Submissions (2):

CeGaT Center for Human Genetics Tuebingen
Classification: Uncertain significance. Last evaluated: 2026-04-01. Review status: criteria provided, single submitter. Criteria: CeGaT Center For Human Genetics Tuebingen Variant Classification Criteria Version 2. Collection method: clinical testing. Allele origin: germline. Affected: yes. Observed: 1 variant allele.
Comment: LAMA1: PM2

Ambry Genetics
Classification: Uncertain significance for Inborn genetic diseases. Last evaluated: 2025-08-13. Review status: criteria provided, single submitter. Criteria: Ambry Variant Classification Scheme 2023. Collection method: clinical testing. Allele origin: germline.

NM_005559.4(LAMA1):c.7208T>C (p.Val2403Ala)

Gene: LAMA1 (laminin subunit alpha 1; minus strand). Cytogenetic location: 18p11.31.
Variant type: single nucleotide variant.
Coding change: c.7208T>C on transcript NM_005559.4 (MANE Select); coding-DNA position 7208, T replaced by C.
Protein change: p.Val2403Ala; replaces valine 2403 with alanine.
Molecular consequence: missense variant.
Genome position (GRCh38, 1-based): chr18:6,964,791, A>G on the plus strand (T>C on the coding strand, the complement: LAMA1 is on the minus strand). VCF-style: chr18-6964791-A-G. GRCh37 (hg19) VCF-style: chr18-6964790-A-G.
Other names: short protein forms V2403A.
Identifiers: ClinVar variation 4096084 (VCV004096084.3).